The following is an entry in ClinVar:

NM_017841.4(SDHAF2):c.459G>C (p.Leu153=)

Gene: SDHAF2 (succinate dehydrogenase complex assembly factor 2; plus strand). Cytogenetic location: 11q12.2.
Variant type: single nucleotide variant.
Coding change: c.459G>C on transcript NM_017841.4 (MANE Select); coding-DNA position 459, G replaced by C.
Protein change: p.Leu153=; no amino-acid change (leucine 153 retained).
Molecular consequence: synonymous variant.
Genome position (GRCh38, 1-based): chr11:61,446,029, G>C. VCF-style: chr11-61446029-G-C. GRCh37 (hg19) VCF-style: chr11-61213501-G-C.
Identifiers: ClinVar variation 825030 (VCV000825030.15), dbSNP rs757151603, ClinGen allele CA222882542.

ClinVar aggregate classification (germline): Benign/Likely benign. Review status: criteria provided, multiple submitters, no conflicts (2 of 4 stars). 5 submissions from 5 submitters: Benign (1); Likely benign (4). Last evaluated 2026-08-05.

Conditions:
Hereditary pheochromocytoma and paraganglioma. Also called: Hereditary pheochromocytoma-paraganglioma; Hereditary paragangliomas and pheochromocytomas; Hereditary Paraganglioma-Pheochromocytoma Syndromes. Identifiers: Orphanet 29072, MedGen C4274332, MONDO:0017366.
Hereditary cancer-predisposing syndrome. Also called: Hereditary neoplastic syndrome; Neoplastic Syndromes, Hereditary; Tumor predisposition; Hereditary Cancer Syndrome. Identifiers: Orphanet 140162, MedGen C0027672, MeSH D009386, MONDO:0015356.
Pheochromocytoma/paraganglioma syndrome 2. Also called: SDHAF2-Related Hereditary Paraganglioma-Pheochromocytoma Syndrome (Paragangliomas 2); SDHAF2-Related Hereditary Paraganglioma-Pheochromocytoma Syndrome; GLOMUS TUMORS, FAMILIAL, 2; Paragangliomas 2. Identifiers: Orphanet 29072, MedGen C1866552, MONDO:0011121, OMIM 601650.

Allele frequency attached by ClinVar (database versions not stated): TOPMed 0.00001.
gnomAD v4.1: 8 of 1,614,210 alleles (0.0005%); highest among the groups gnomAD compares: Non-Finnish European, 0.00051%; no homozygotes.

Submissions (5):

Myriad Genetics, Inc.
Classification: Benign for Pheochromocytoma/paraganglioma syndrome 2. Last evaluated: 2026-08-05. Review status: criteria provided, single submitter. Criteria: Myriad Autosomal Dominant, Autosomal Recessive and X-Linked Classification Criteria (2023). Collection method: clinical testing. Allele origin: unknown.
Comment: This variant is considered benign. This variant is a silent/synonymous amino acid change and it is not expected to impact splicing.

Labcorp Genetics (formerly Invitae), Labcorp
Classification: Likely benign for Hereditary pheochromocytoma and paraganglioma. Last evaluated: 2025-06-30. Review status: criteria provided, single submitter. Criteria: Invitae Variant Classification Sherloc (09022015). Collection method: clinical testing. Allele origin: germline.

Color Diagnostics, LLC DBA Color Health
Classification: Likely benign for Hereditary pheochromocytoma and paraganglioma. Last evaluated: 2024-07-23. Review status: criteria provided, single submitter. Criteria: ACMG Guidelines, 2015. Collection method: clinical testing. Allele origin: germline.

Department of Pathology and Laboratory Medicine, Sinai Health System
Classification: Likely benign for Pheochromocytoma/paraganglioma syndrome 2. Last evaluated: 2022-04-26. Review status: criteria provided, single submitter. Criteria: ACMG Guidelines, 2015. Collection method: clinical testing. Allele origin: germline. Affected: yes.

Ambry Genetics
Classification: Likely benign for Hereditary cancer-predisposing syndrome. Last evaluated: 2015-12-21. Review status: criteria provided, single submitter. Criteria: Ambry Variant Classification Scheme 2023. Collection method: clinical testing. Allele origin: germline.